The following is an entry in ClinVar:

ClinVar aggregate classification (germline): Conflicting classifications of pathogenicity. Review status: criteria provided, conflicting classifications (1 of 4 stars). 3 submissions from 3 submitters: Uncertain significance (1); Likely benign (2). Last evaluated 2025-12-16.

Allele frequency attached by ClinVar (database versions not stated): ESP Exome Variant Server 0.00077; TOPMed 0.00053; ExAC 0.00012; gnomAD exomes 0.00009; 1000 Genomes Project 0.00020; 1000 Genomes Project 30x 0.00031; gnomAD 0.00049.
gnomAD v4.1: 209 of 1,613,650 alleles (0.013%); highest among the groups gnomAD compares: African/African-American, 0.19%; no homozygotes.

Submissions (3):

Labcorp Genetics (formerly Invitae), Labcorp
Classification: Likely benign. Last evaluated: 2025-12-16. Review status: criteria provided, single submitter. Criteria: Invitae Variant Classification Sherloc (09022015). Collection method: clinical testing. Allele origin: germline.

GeneDx
Classification: Uncertain significance. Last evaluated: 2023-05-12. Review status: criteria provided, single submitter. Criteria: GeneDx Variant Classification Process June 2021. Collection method: clinical testing. Allele origin: germline.
Comment: In silico analysis supports that this missense variant does not alter protein structure/function; Has not been previously published as pathogenic or benign to our knowledge

Ambry Genetics
Classification: Likely benign. Last evaluated: 2021-05-24. Review status: criteria provided, single submitter. Criteria: Ambry Variant Classification Scheme 2023. Collection method: clinical testing. Allele origin: germline.

NM_015634.4(KIFBP):c.557G>A (p.Arg186His)

Gene: KIFBP (kinesin family binding protein; plus strand). Cytogenetic location: 10q22.1.
Variant type: single nucleotide variant.
Coding change: c.557G>A on transcript NM_015634.4 (MANE Select); coding-DNA position 557, G replaced by A.
Protein change: p.Arg186His; replaces arginine 186 with histidine.
Molecular consequence: missense variant.
Genome position (GRCh38, 1-based): chr10:69,005,077, G>A. VCF-style: chr10-69005077-G-A. GRCh37 (hg19) VCF-style: chr10-70764833-G-A.
Other names: short protein forms R186H.
Identifiers: ClinVar variation 1703329 (VCV001703329.9), dbSNP rs139483880, ClinGen allele CA5529716.